The following is an entry in ClinVar:

NM_006531.5(IFT88):c.952A>G (p.Ile318Val)

Gene: IFT88 (intraflagellar transport 88; plus strand). Cytogenetic location: 13q12.11.
Variant type: single nucleotide variant.
Coding change: c.952A>G on transcript NM_006531.5 (MANE Select); coding-DNA position 952, A replaced by G.
Protein change: p.Ile318Val; replaces isoleucine 318 with valine.
Molecular consequence: missense variant. On other transcripts: non-coding transcript variant (5), intron variant (7).
Genome position (GRCh38, 1-based): chr13:20,601,844, A>G. VCF-style: chr13-20601844-A-G. GRCh37 (hg19) VCF-style: chr13-21175983-A-G.
Other names: c.895A>G, p.Ile299Val (NM_001318491.2, NM_001353573.2, NM_001353575.2); c.979A>G, p.Ile327Val (NM_001318493.2, NM_001353565.2, NM_001353566.2 and 2 more transcripts); c.952A>G, p.Ile318Val (NM_001353568.2, NM_001353572.2); c.319A>G, p.Ile107Val (NM_001353579.2); c.884-7A>G (NM_001353570.2, NM_001353576.2, NM_001353577.2 and 1 more transcripts); c.857-7A>G (NM_001353571.2, NM_001353578.2); c.800-7A>G (NM_001353574.2); short protein forms I107V, I299V, I318V, I327V.
Identifiers: ClinVar variation 3614433 (VCV003614433.2).

ClinVar aggregate classification (germline): Uncertain significance (1 of 4 stars; one submission).

gnomAD v4.1: 2 of 1,613,344 alleles (0.00012%); highest among the groups gnomAD compares: South Asian, 0.0011%; no homozygotes.

Submission:

Labcorp Genetics (formerly Invitae), Labcorp
Classification: Uncertain significance. Last evaluated: 2025-01-13. Review status: criteria provided, single submitter. Criteria: Invitae Variant Classification Sherloc (09022015). Collection method: clinical testing. Allele origin: germline.
Comment: This sequence change replaces isoleucine, which is neutral and non-polar, with valine, which is neutral and non-polar, at codon 327 of the IFT88 protein (p.Ile327Val). This variant is present in population databases (no rsID available, gnomAD 0.003%). This variant has not been reported in the literature in individuals affected with IFT88-related conditions. An algorithm developed to predict the effect of missense changes on protein structure and function outputs the following: PolyPhen-2: "Benign". The valine amino acid residue is found in multiple mammalian species, which suggests that this missense change does not adversely affect protein function. In summary, the available evidence is currently insufficient to determine the role of this variant in disease. Therefore, it has been classified as a Variant of Uncertain Significance.